The following is an entry in ClinVar:

NM_000198.4(HSD3B2):c.611C>A (p.Ala204Asp)

Gene: HSD3B2 (hydroxy-delta-5-steroid dehydrogenase, 3 beta- and steroid delta-isomerase 2; plus strand). Cytogenetic location: 1p12.
Variant type: single nucleotide variant.
Coding change: c.611C>A on transcript NM_000198.4 (MANE Select); coding-DNA position 611, C replaced by A.
Protein change: p.Ala204Asp; replaces alanine 204 with aspartic acid.
Molecular consequence: missense variant.
Genome position (GRCh38, 1-based): chr1:119,422,112, C>A. VCF-style: chr1-119422112-C-A. GRCh37 (hg19) VCF-style: chr1-119964735-C-A.
Other names: p.Ala204Asp; c.611C>A, p.Ala204Asp (NM_001166120.2); short protein forms A204D.
Identifiers: ClinVar variation 1878508 (VCV001878508.2), dbSNP rs758811639, ClinGen allele CA341397453.
Genomic context (GRCh38, chr1:119,422,112, plus strand): 5'-TAAGACCCACATATATCTATGGGGAAGGAGGCCCATTCCTTTCTGCCAGTATAAATGAGG[C>A]CCTGAACAACAATGGGATCCTGTCAAGTGTTGGAAAGTTCTCTACAGTCAACCCAGTCTA-3'
Protein context (NP_000189.1, residues 194-214): GPFLSASINE[Ala204Asp]LNNNGILSSV

ClinVar aggregate classification (germline): Uncertain significance (1 of 4 stars; one submission).

Conditions:
3 beta-Hydroxysteroid dehydrogenase deficiency. Also called: 3-BETA-HSD DEFICIENCY; ADRENAL HYPERPLASIA II; Congenital adrenal hyperplasia due to 3-beta-hydroxysteroid dehydrogenase deficiency; 3b-hydroxysteroid dehydrogenase deficiency; ADRENAL HYPERPLASIA, CONGENITAL, DUE TO 3-BETA-HYDROXYSTEROID DEHYDROGENASE 2 DEFICIENCY. Identifiers: Orphanet 90791, MedGen C0342471, MeSH C538236, MONDO:0008727, OMIM 201810. Disease mechanism: loss of function.

Submission:

Foundation for Research in Genetics and Endocrinology, FRIGE's Institute of Human Genetics
Classification: Uncertain significance for 3 beta-Hydroxysteroid dehydrogenase deficiency. Last evaluated: 2022-11-07. Review status: criteria provided, single submitter. Criteria: ACMG Guidelines, 2015. Collection method: clinical testing. Allele origin: germline. Inheritance: Autosomal recessive inheritance. Affected: yes. Observed: 1 heterozygote.
Comment: A heterozygous missense variation in exon 4 of the HSD3B2 gene that results in the amino acid substitution of Aspartic acid for Alanine at codon 204 was detected. The observed variant c.611C>A (p.Ala204Asp) has not been reported in the 1000 genomes and ExAC databases. The in silico prediction of the variant is damaging by PolyPhen-2 (HumDiv) and SIFT. The reference codon is conserved across species. In summary, the variant meets our criteria to be classified as a variant of uncertain significance.